The following is an entry in ClinVar:

NM_006063.3(KLHL41):c.667C>T (p.Arg223Cys)

Gene: KLHL41 (kelch like family member 41; plus strand). Cytogenetic location: 2q31.1.
Variant type: single nucleotide variant.
Coding change: c.667C>T on transcript NM_006063.3 (MANE Select); coding-DNA position 667, C replaced by T.
Protein change: p.Arg223Cys; replaces arginine 223 with cysteine.
Molecular consequence: missense variant.
Genome position (GRCh38, 1-based): chr2:169,510,445, C>T. VCF-style: chr2-169510445-C-T. GRCh37 (hg19) VCF-style: chr2-170366955-C-T.
Other names: short protein forms R223C.
Identifiers: ClinVar variation 1465145 (VCV001465145.8), dbSNP rs754460870, ClinGen allele CA1956536.

ClinVar aggregate classification (germline): Likely pathogenic (1 of 4 stars; one submission).

Conditions:
Nemaline myopathy 9 (NEM9). Identifiers: MedGen C3810384, MONDO:0014326, OMIM 615731.

Allele frequency attached by ClinVar (database versions not stated): gnomAD exomes below 0.00001 and 0.00001; ExAC 0.00001.
gnomAD v4.1: 2 of 1,613,988 alleles (0.00012%); highest among the groups gnomAD compares: Admixed American, 0.0017%; no homozygotes.

Submission:

Labcorp Genetics (formerly Invitae), Labcorp
Classification: Likely pathogenic for Nemaline myopathy 9. Last evaluated: 2023-11-25. Review status: criteria provided, single submitter. Criteria: Invitae Variant Classification Sherloc (09022015). Collection method: clinical testing. Allele origin: germline.
Comment: This sequence change replaces arginine, which is basic and polar, with cysteine, which is neutral and slightly polar, at codon 223 of the KLHL41 protein (p.Arg223Cys). This variant is present in population databases (rs754460870, gnomAD 0.003%). This missense change has been observed in individual(s) with nemaline myopathy (Invitae). In at least one individual the data is consistent with being in trans (on the opposite chromosome) from a pathogenic variant. ClinVar contains an entry for this variant (Variation ID: 1465145). Advanced modeling of protein sequence and biophysical properties (such as structural, functional, and spatial information, amino acid conservation, physicochemical variation, residue mobility, and thermodynamic stability) performed at Invitae indicates that this missense variant is expected to disrupt KLHL41 protein function with a positive predictive value of 80%. In summary, the currently available evidence indicates that the variant is pathogenic, but additional data are needed to prove that conclusively. Therefore, this variant has been classified as Likely Pathogenic.